The following is an entry in ClinVar:

NM_032638.5(GATA2):c.311C>T (p.Ala104Val)

Gene: GATA2 (GATA binding protein 2; minus strand). Cytogenetic location: 3q21.3.
Variant type: single nucleotide variant.
Coding change: c.311C>T on transcript NM_032638.5 (MANE Select); coding-DNA position 311, C replaced by T.
Protein change: p.Ala104Val; replaces alanine 104 with valine.
Molecular consequence: missense variant.
Genome position (GRCh38, 1-based): chr3:128,486,287, G>A on the plus strand (C>T on the coding strand, the complement: GATA2 is on the minus strand). VCF-style: chr3-128486287-G-A. GRCh37 (hg19) VCF-style: chr3-128205130-G-A.
Other names: c.311C>T, p.Ala104Val (NM_001145661.2, NM_001145662.1); short protein forms A104V.
Identifiers: ClinVar variation 472456 (VCV000472456.12), dbSNP rs760660470, ClinGen allele CA2600043.

ClinVar aggregate classification (germline): Conflicting classifications of pathogenicity. Review status: criteria provided, conflicting classifications (1 of 4 stars). 3 submissions from 3 submitters: Uncertain significance (2); Likely benign (1). Last evaluated 2024-10-28.

Conditions:
Monocytopenia with susceptibility to infections. Also called: MONOCYTOPENIA AND MYCOBACTERIAL INFECTION SYNDROME; MONOCYTOPENIA WITH SUSCEPTIBILITY TO MYCOBACTERIAL, FUNGAL, AND PAPILLOMAVIRUS INFECTIONS AND MYELODYSPLASIA; COMBINED IMMUNODEFICIENCY WITH SUSCEPTIBILITY TO MYCOBACTERIAL, VIRAL, AND FUNGAL INFECTIONS; Dendritic cell, monocyte, B lymphocyte, and natural killer lymphocyte deficiency; IMMUNODEFICIENCY 21; GATA2 DEFICIENCY. Identifiers: Orphanet 228423, MedGen C3280030, MONDO:0013607, OMIM 614172.
Deafness-lymphedema-leukemia syndrome. Also called: Lymphedema, primary, with myelodysplasia; Emberger syndrome. Identifiers: Orphanet 3226, MedGen C3279664, MONDO:0013540, OMIM 614038.
Inborn genetic diseases. Identifiers: MedGen C0950123, MeSH D030342.

Allele frequency attached by ClinVar (database versions not stated): TOPMed below 0.00001; gnomAD exomes 0.00001; ExAC 0.00006.
gnomAD v4.1: 8 of 1,583,936 alleles (0.00051%); highest among the groups gnomAD compares: South Asian, 0.0092%; no homozygotes.

Submissions (3):

Ambry Genetics
Classification: Likely benign for Inborn genetic diseases. Last evaluated: 2024-10-28. Review status: criteria provided, single submitter. Criteria: Ambry Variant Classification Scheme 2023. Collection method: clinical testing. Allele origin: germline.

Labcorp Genetics (formerly Invitae), Labcorp
Classification: Uncertain significance for Monocytopenia with susceptibility to infections; Deafness-lymphedema-leukemia syndrome. Last evaluated: 2022-02-04. Review status: criteria provided, single submitter. Criteria: Invitae Variant Classification Sherloc (09022015). Collection method: clinical testing. Allele origin: germline.
Comment: In summary, the available evidence is currently insufficient to determine the role of this variant in disease. Therefore, it has been classified as a Variant of Uncertain Significance. This sequence change replaces alanine, which is neutral and non-polar, with valine, which is neutral and non-polar, at codon 104 of the GATA2 protein (p.Ala104Val). The frequency data for this variant in the population databases is considered unreliable, as metrics indicate poor data quality at this position in the gnomAD database. This variant has not been reported in the literature in individuals affected with GATA2-related conditions. ClinVar contains an entry for this variant (Variation ID: 472456). Advanced modeling of protein sequence and biophysical properties (such as structural, functional, and spatial information, amino acid conservation, physicochemical variation, residue mobility, and thermodynamic stability) performed at Invitae indicates that this missense variant is not expected to disrupt GATA2 protein function.

Revvity Omics, Revvity
Classification: Uncertain significance. Last evaluated: 2021-05-21. Review status: criteria provided, single submitter. Criteria: ACMG Guidelines, 2015. Collection method: clinical testing. Allele origin: germline.